The following is an entry in ClinVar:

NM_201548.5(CERKL):c.419T>C (p.Leu140Pro)

Gene: CERKL (CERK like autophagy regulator; minus strand). Cytogenetic location: 2q31.3.
Variant type: single nucleotide variant.
Coding change: c.419T>C on transcript NM_201548.5 (MANE Select); coding-DNA position 419, T replaced by C.
Protein change: p.Leu140Pro; replaces leucine 140 with proline.
Molecular consequence: missense variant. On other transcripts: non-coding transcript variant (2).
Genome position (GRCh38, 1-based): chr2:181,603,899, A>G on the plus strand (T>C on the coding strand, the complement: CERKL is on the minus strand). VCF-style: chr2-181603899-A-G. GRCh37 (hg19) VCF-style: chr2-182468626-A-G.
Other names: c.419T>C, p.Leu140Pro (NM_001030311.3, NM_001030312.3, NM_001030313.3 and 1 more transcripts); short protein forms L140P.
Identifiers: ClinVar variation 865914 (VCV000865914.12), dbSNP rs1481841151, ClinGen allele CA349730054.
Genomic context (GRCh38, chr2:181,603,899, plus strand): 5'-GCCAATATTTTCTTGAACTGTCTAAACCATATGTCACAGTGGTCTTCACTTAAATTAATA[A>G]GATCAAGTGTAGAATTCTTTAGTTTATTTTGTTCCTTTTTCAAGCAGATGAAGAGTGTGA-3'
Protein context (NP_963842.1, residues 130-150): QNKLKNSTLD[Leu140Pro]INLSEDHCDI

ClinVar aggregate classification (germline): Conflicting classifications of pathogenicity. Review status: criteria provided, conflicting classifications (1 of 4 stars). 3 submissions from 3 submitters: Likely pathogenic (1); Uncertain significance (1). 1 of the submissions does not count toward it. Last evaluated 2025-02-04.

Conditions:
Retinal dystrophy. Also called: Inherited retinal dystrophy. Identifiers: Orphanet 71862, MedGen C0854723, MeSH D058499, MONDO:0019118, HP:0000556.
CERKL-related disorders.

Submissions (3):

Labcorp Genetics (formerly Invitae), Labcorp
Classification: Uncertain significance. Last evaluated: 2025-02-04. Review status: criteria provided, single submitter. Criteria: Invitae Variant Classification Sherloc (09022015). Collection method: clinical testing. Allele origin: germline.
Comment: This sequence change replaces leucine, which is neutral and non-polar, with proline, which is neutral and non-polar, at codon 140 of the CERKL protein (p.Leu140Pro). This variant is not present in population databases (gnomAD no frequency). This variant has not been reported in the literature in individuals affected with CERKL-related conditions. ClinVar contains an entry for this variant (Variation ID: 865914). Invitae Evidence Modeling of protein sequence and biophysical properties (such as structural, functional, and spatial information, amino acid conservation, physicochemical variation, residue mobility, and thermodynamic stability) indicates that this missense variant is expected to disrupt CERKL protein function with a positive predictive value of 95%. In summary, the available evidence is currently insufficient to determine the role of this variant in disease. Therefore, it has been classified as a Variant of Uncertain Significance.

Blueprint Genetics
Classification: Likely pathogenic for CERKL-related disorders. Last evaluated: 2018-10-05. Review status: criteria provided, single submitter. Criteria: ACMG Guidelines, 2015. Collection method: clinical testing. Allele origin: germline. Affected: yes. Observed: 1 variant allele.

Institute of Human Genetics, Univ. Regensburg, Univ. Regensburg
Classification: Uncertain significance for Retinal dystrophy. Last evaluated: 2017-01-01. Review status: no assertion criteria provided. Criteria: ACMG Guidelines, 2015. Collection method: clinical testing. Allele origin: germline. Affected: yes. Not counted in ClinVar's aggregate classification.